The following is an entry in ClinVar:

ClinVar aggregate classification (germline): Uncertain significance (1 of 4 stars; one submission).

Conditions:
Autoimmune lymphoproliferative syndrome type 1. Also called: AUTOIMMUNE LYMPHOPROLIFERATIVE SYNDROME, TYPE I, AUTOSOMAL DOMINANT. Identifiers: Orphanet 3261, MedGen C2717884, MONDO:0011158, OMIM 601859.

gnomAD v4.1: 18 of 1,611,858 alleles (0.0011%); highest among the groups gnomAD compares: Non-Finnish European, 0.0015%; no homozygotes.

Submission:

Labcorp Genetics (formerly Invitae), Labcorp
Classification: Uncertain significance for Autoimmune lymphoproliferative syndrome. Last evaluated: 2022-04-07. Review status: criteria provided, single submitter. Criteria: Invitae Variant Classification Sherloc (09022015). Collection method: clinical testing. Allele origin: germline.
Comment: This variant has not been reported in the literature in individuals affected with FAS-related conditions. This variant is present in population databases (rs770595930, gnomAD 0.0009%). This sequence change replaces asparagine, which is neutral and polar, with tyrosine, which is neutral and polar, at codon 326 of the FAS protein (p.Asn326Tyr). Algorithms developed to predict the effect of missense changes on protein structure and function are either unavailable or do not agree on the potential impact of this missense change (SIFT: "Not Available"; PolyPhen-2: "Benign"; Align-GVGD: "Not Available"). In summary, the available evidence is currently insufficient to determine the role of this variant in disease. Therefore, it has been classified as a Variant of Uncertain Significance.

NM_000043.6(FAS):c.976A>T (p.Asn326Tyr)

Gene: FAS (Fas cell surface death receptor; plus strand). Cytogenetic location: 10q23.31.
Variant type: single nucleotide variant.
Coding change: c.976A>T on transcript NM_000043.6 (MANE Select); coding-DNA position 976, A replaced by T.
Protein change: p.Asn326Tyr; replaces asparagine 326 with tyrosine.
Molecular consequence: missense variant. On other transcripts: 3 prime UTR variant (2), non-coding transcript variant (7).
Genome position (GRCh38, 1-based): chr10:89,014,418, A>T. VCF-style: chr10-89014418-A-T. GRCh37 (hg19) VCF-style: chr10-90774175-A-T.
Other names: c.*299A>T (NM_001320619.2); c.1021A>T, p.Asn341Tyr (NM_001410956.1); c.913A>T, p.Asn305Tyr (NM_152871.4); c.*288A>T (NM_152872.4); short protein forms N326Y, N305Y, N341Y.
Identifiers: ClinVar variation 2108228 (VCV002108228.4), dbSNP rs770595930, ClinGen allele CA5593246.